The following is an entry in ClinVar:

ClinVar aggregate classification (germline): Pathogenic (1 of 4 stars; one submission).

Submission:

Labcorp Genetics (formerly Invitae), Labcorp
Classification: Pathogenic. Last evaluated: 2022-06-30. Review status: criteria provided, single submitter. Criteria: Invitae Variant Classification Sherloc (09022015). Collection method: clinical testing. Allele origin: germline.
Comment: This sequence change creates a premature translational stop signal (p.Val136Cysfs*101) in the KLF1 gene. It is expected to result in an absent or disrupted protein product. Loss-of-function variants in KLF1 are known to be pathogenic (PMID: 24443441, 25724378). This variant is not present in population databases (gnomAD no frequency). This variant has not been reported in the literature in individuals affected with KLF1-related conditions. For these reasons, this variant has been classified as Pathogenic.

Literature cited by the submitters: PubMed 24443441; PubMed 25724378.

NM_006563.5(KLF1):c.406del (p.Val136fs)

Genes: KLF1 (KLF transcription factor 1; minus strand), LOC130063673 (ATAC-STARR-seq lymphoblastoid silent region 10180; plus strand). Cytogenetic location: 19p13.13.
Variant type: Deletion.
Coding change: c.406del on transcript NM_006563.5 (MANE Select); coding-DNA position 406, one base deleted (G; older notation c.406delG).
Protein change: p.Val136fs; shifts the reading frame from valine 136.
Molecular consequence: frameshift variant.
Genome position (GRCh38, 1-based): chr19:12,885,824, C deleted on the plus strand (G on the coding strand, the reverse complement: KLF1 is on the minus strand); the first of 3 consecutive C bases (chr19:12,885,824-12,885,826); deleting any one gives the same sequence. VCF-style (leftmost placement, unchanged base first): chr19-12885823-AC-A. GRCh37 (hg19) VCF-style: chr19-12996637-AC-A.
Other names: short protein forms V136fs.
Identifiers: ClinVar variation 2064376 (VCV002064376.1), dbSNP rs1568420988, ClinGen allele CA920061711.